The following is an entry in ClinVar:

NM_080425.4(GNAS):c.2042T>C (p.Met681Thr)

Gene: GNAS (GNAS complex locus; plus strand). Cytogenetic location: 20q13.32.
Variant type: single nucleotide variant.
Coding change: c.2042T>C on transcript NM_080425.4 (MANE Plus Clinical); coding-DNA position 2042, T replaced by C.
Protein change: p.Met681Thr; replaces methionine 681 with threonine.
Molecular consequence: missense variant. On other transcripts: intron variant (3).
Genome position (GRCh38, 1-based): chr20:58,855,307, T>C. VCF-style: chr20-58855307-T-C. GRCh37 (hg19) VCF-style: chr20-57430362-T-C.
Other names: c.1855T>C, p.Cys619Arg (NM_001077490.3, NM_001309883.1); c.2042T>C, p.Met681Thr (NM_001410913.1); c.*42+14421T>C (NM_016592.5); c.43+14421T>C (NM_001410912.1); c.-39+13432T>C (NM_001309861.2); short protein forms C619R, M681T.
Identifiers: ClinVar variation 3355757 (VCV003355757.1).

ClinVar aggregate classification (germline): Uncertain significance (0 of 4 stars; one submission).

Conditions:
GNAS-related disorder. Identifiers: MedGen CN380105.

gnomAD v4.1: 2 of 1,579,466 alleles (0.00013%); highest among the groups gnomAD compares: East Asian, 0.0023%; no homozygotes.

Submission:

PreventionGenetics, part of Exact Sciences
Classification: Uncertain significance for GNAS-related condition. Last evaluated: 2024-08-21. Review status: no assertion criteria provided. Collection method: clinical testing. Allele origin: germline.
Comment: The GNAS c.2042T>C variant is predicted to result in the amino acid substitution p.Met681Thr. This variant is referred to as c.-36420T>C (Pre-Coding) with the primary transcript NM_000516.5. To our knowledge, this variant has not been reported in the literature or in a large population database, indicating this variant is rare. At this time, the clinical significance of this variant is uncertain due to the absence of conclusive functional and genetic evidence.